The following is an entry in ClinVar:

ClinVar aggregate classification (germline): Uncertain significance. Review status: criteria provided, multiple submitters, no conflicts (2 of 4 stars). 3 submissions from 3 submitters: Uncertain significance (3). Last evaluated 2022-09-07.

Conditions:
Developmental and epileptic encephalopathy, 1 (DEE1). Also called: X-linked infantile spasms; West's syndrome; Tonic spasms with clustering, arrest of psychomotor development and hypsarrhythmia on EEG; X-Linked Infantile Spasm Syndrome; OHTAHARA SYNDROME, X-LINKED; Epileptic encephalopathy, early infantile, 1. Identifiers: MedGen C3463992, MONDO:0010632, OMIM 308350. Disease mechanism: loss of function.
Autosomal recessive spinocerebellar ataxia 12. Also called: SPINOCEREBELLAR ATAXIA WITH MENTAL RETARDATION AND EPILEPSY. Identifiers: Orphanet 284282, MedGen C3280452, MONDO:0013687, OMIM 614322.

Allele frequency attached by ClinVar (database versions not stated): ExAC 0.00001; gnomAD exomes 0.00001.

Submissions (3):

Labcorp Genetics (formerly Invitae), Labcorp
Classification: Uncertain significance for Developmental and epileptic encephalopathy, 1; Autosomal recessive spinocerebellar ataxia 12. Last evaluated: 2022-09-07. Review status: criteria provided, single submitter. Criteria: Invitae Variant Classification Sherloc (09022015). Collection method: clinical testing. Allele origin: germline.
Comment: This sequence change replaces alanine, which is neutral and non-polar, with threonine, which is neutral and polar, at codon 185 of the WWOX protein (p.Ala185Thr). This variant is present in population databases (rs778951309, gnomAD 0.003%). This variant has not been reported in the literature in individuals affected with WWOX-related conditions. ClinVar contains an entry for this variant (Variation ID: 1396145). Algorithms developed to predict the effect of missense changes on protein structure and function are either unavailable or do not agree on the potential impact of this missense change (SIFT: "Not Available"; PolyPhen-2: "Benign"; Align-GVGD: "Not Available"). In summary, the available evidence is currently insufficient to determine the role of this variant in disease. Therefore, it has been classified as a Variant of Uncertain Significance.

Blueprint Genetics
Classification: Uncertain significance. Last evaluated: 2017-07-17. Review status: criteria provided, single submitter. Criteria: ACMG Guidelines, 2015. Collection method: clinical testing. Allele origin: germline.

Breakthrough Genomics
Classification: Uncertain significance. Review status: criteria provided, single submitter. Criteria: ACMG Guidelines, 2015. Collection method: not provided. Allele origin: germline. Inheritance: Autosomal recessive inheritance. Affected: yes.

NM_016373.4(WWOX):c.553G>A (p.Ala185Thr)

Gene: WWOX (WW domain containing oxidoreductase; plus strand). Cytogenetic location: 16q23.1.
Variant type: single nucleotide variant.
Coding change: c.553G>A on transcript NM_016373.4 (MANE Select); coding-DNA position 553, G replaced by A.
Protein change: p.Ala185Thr; replaces alanine 185 with threonine.
Molecular consequence: missense variant.
Genome position (GRCh38, 1-based): chr16:78,386,896, G>A. VCF-style: chr16-78386896-G-A. GRCh37 (hg19) VCF-style: chr16-78420793-G-A.
Other names: c.214G>A, p.Ala72Thr (NM_001291997.2); short protein forms A72T, A185T.
Identifiers: ClinVar variation 1396145 (VCV001396145.7), dbSNP rs778951309, ClinGen allele CA8183331.